The following is an entry in ClinVar:

NM_020638.3(FGF23):c.457C>G (p.Pro153Ala)

Gene: FGF23 (fibroblast growth factor 23; minus strand). Cytogenetic location: 12p13.32.
Variant type: single nucleotide variant.
Coding change: c.457C>G on transcript NM_020638.3 (MANE Select); coding-DNA position 457, C replaced by G.
Protein change: p.Pro153Ala; replaces proline 153 with alanine.
Molecular consequence: missense variant.
Genome position (GRCh38, 1-based): chr12:4,370,642, G>C on the plus strand (C>G on the coding strand, the complement: FGF23 is on the minus strand). VCF-style: chr12-4370642-G-C. GRCh37 (hg19) VCF-style: chr12-4479808-G-C.
Other names: short protein forms P153A.
Identifiers: ClinVar variation 880769 (VCV000880769.8), dbSNP rs774018822, ClinGen allele CA6395679.
Genomic context (GRCh38, chr12:4,370,642, plus strand): 5'-TGGGGGTGTTGAAGTGAATTAGGGGGATCTCGTTCCTCCGGGACAGGAACTGGGAGTACG[G>C]GGGTGGGTTCATGCCTGGCAGGAAGGCTCTCTTCGCCCGGCCCAGACTGACCAGGAAGTG-3'
Protein context (NP_065689.1, residues 143-163): RAFLPGMNPP[Pro153Ala]YSQFLSRRNE

ClinVar aggregate classification (germline): Uncertain significance. Review status: criteria provided, multiple submitters, no conflicts (2 of 4 stars). 3 submissions from 2 submitters: Uncertain significance (3). Last evaluated 2022-04-18.

Conditions:
Tumoral calcinosis, hyperphosphatemic, familial, 2. Identifiers: MedGen C4693863, MONDO:0060714, OMIM 617993.
Autosomal dominant hypophosphatemic rickets (ADHR). Also called: HYPOPHOSPHATEMIA, AUTOSOMAL DOMINANT; VITAMIN D-RESISTANT RICKETS, AUTOSOMAL DOMINANT. Identifiers: Orphanet 89937, MedGen C0342642, MONDO:0008660, OMIM 193100.

Allele frequency attached by ClinVar (database versions not stated): ExAC 0.00001; gnomAD 0.00001; TOPMed 0.00001.

Submissions (3):

Labcorp Genetics (formerly Invitae), Labcorp
Classification: Uncertain significance. Last evaluated: 2022-04-18. Review status: criteria provided, single submitter. Criteria: Invitae Variant Classification Sherloc (09022015). Collection method: clinical testing. Allele origin: germline.
Comment: This sequence change replaces proline, which is neutral and non-polar, with alanine, which is neutral and non-polar, at codon 153 of the FGF23 protein (p.Pro153Ala). This variant is present in population databases (rs774018822, gnomAD 0.01%). This variant has not been reported in the literature in individuals affected with FGF23-related conditions. ClinVar contains an entry for this variant (Variation ID: 880769). Algorithms developed to predict the effect of missense changes on protein structure and function are either unavailable or do not agree on the potential impact of this missense change (SIFT: "Tolerated"; PolyPhen-2: "Probably Damaging"; Align-GVGD: "Class C0"). In summary, the available evidence is currently insufficient to determine the role of this variant in disease. Therefore, it has been classified as a Variant of Uncertain Significance.

Illumina Laboratory Services, Illumina
Classification: Uncertain significance for Tumoral calcinosis, hyperphosphatemic, familial, 2. Last evaluated: 2017-04-28. Review status: criteria provided, single submitter. Criteria: ICSL Variant Classification Criteria 13 December 2019. Collection method: clinical testing. Allele origin: germline.

Illumina Laboratory Services, Illumina
Classification: Uncertain significance for Autosomal dominant hypophosphatemic rickets. Last evaluated: 2017-04-28. Review status: criteria provided, single submitter. Criteria: ICSL Variant Classification Criteria 13 December 2019. Collection method: clinical testing. Allele origin: germline.